The following is an entry in ClinVar:

ClinVar aggregate classification (germline): Uncertain significance (1 of 4 stars; one submission).

Conditions:
LAMA2-related muscular dystrophy (LAMA2-RD). Also called: Laminin alpha 2-related dystrophy. Identifiers: MedGen C5679788, MONDO:0100228.

Allele frequency attached by ClinVar (database versions not stated): TOPMed 0.00001; ExAC 0.00002.
gnomAD v4.1: 7 of 1,613,828 alleles (0.00043%); highest among the groups gnomAD compares: Non-Finnish European, 0.00051%; no homozygotes.

Submission:

Labcorp Genetics (formerly Invitae), Labcorp
Classification: Uncertain significance for LAMA2-related muscular dystrophy. Last evaluated: 2025-04-28. Review status: criteria provided, single submitter. Criteria: Invitae Variant Classification Sherloc (09022015). Collection method: clinical testing. Allele origin: germline.
Comment: This sequence change replaces aspartic acid, which is acidic and polar, with asparagine, which is neutral and polar, at codon 1156 of the LAMA2 protein (p.Asp1156Asn). This variant is present in population databases (rs754256231, gnomAD 0.002%). This variant has not been reported in the literature in individuals affected with LAMA2-related conditions. ClinVar contains an entry for this variant (Variation ID: 840724). Invitae Evidence Modeling of protein sequence and biophysical properties (such as structural, functional, and spatial information, amino acid conservation, physicochemical variation, residue mobility, and thermodynamic stability) indicates that this missense variant is not expected to disrupt LAMA2 protein function with a negative predictive value of 95%. In summary, the available evidence is currently insufficient to determine the role of this variant in disease. Therefore, it has been classified as a Variant of Uncertain Significance.

NM_000426.4(LAMA2):c.3466G>A (p.Asp1156Asn)

Gene: LAMA2 (laminin subunit alpha 2; plus strand). Cytogenetic location: 6q22.33.
Variant type: single nucleotide variant.
Coding change: c.3466G>A on transcript NM_000426.4 (MANE Select); coding-DNA position 3466, G replaced by A.
Protein change: p.Asp1156Asn; replaces aspartic acid 1156 with asparagine.
Molecular consequence: missense variant.
Genome position (GRCh38, 1-based): chr6:129,314,709, G>A. VCF-style: chr6-129314709-G-A. GRCh37 (hg19) VCF-style: chr6-129635854-G-A.
Other names: c.3466G>A, p.Asp1156Asn (NM_001079823.2); short protein forms D1156N.
Identifiers: ClinVar variation 840724 (VCV000840724.5), dbSNP rs754256231, ClinGen allele CA3993268.